The following is an entry in ClinVar:

ClinVar aggregate classification (germline): Pathogenic/Likely pathogenic. Review status: criteria provided, multiple submitters, no conflicts (2 of 4 stars). 6 submissions from 6 submitters: Pathogenic (5); Likely pathogenic (1). Last evaluated 2026-01-25.

Conditions:
Hereditary cancer-predisposing syndrome. Also called: Tumor predisposition; Neoplastic Syndromes, Hereditary; Hereditary Cancer Syndrome; Hereditary neoplastic syndrome. Identifiers: Orphanet 140162, MedGen C0027672, MeSH D009386, MONDO:0015356.
Familial cancer of breast. Also called: Hereditary breast cancer; BREAST CANCER, FAMILIAL; hereditary breast carcinoma. Identifiers: Orphanet 227535, MedGen C0346153, MONDO:0016419, OMIM 114480. Disease mechanism: loss of function.
Ataxia-telangiectasia syndrome (AT). Also called: ATAXIA-TELANGIECTASIA, COMPLEMENTATION GROUP A; ATAXIA-TELANGIECTASIA, FRESNO VARIANT; Ataxia-telangiectasia; Ataxia-telangiectasia, complementation group D; AT, COMPLEMENTATION GROUP C; Ataxia-telangiectasia, complementation group E. Identifiers: Orphanet 100, MedGen C0004135, MONDO:0008840, OMIM 208900.

Submissions (6):

Labcorp Genetics (formerly Invitae), Labcorp
Classification: Pathogenic for Ataxia-telangiectasia syndrome. Last evaluated: 2026-01-25. Review status: criteria provided, single submitter. Criteria: Invitae Variant Classification Sherloc (09022015). Collection method: clinical testing. Allele origin: germline.
Comment: This sequence change creates a premature translational stop signal (p.Arg2748Glufs*9) in the ATM gene. It is expected to result in an absent or disrupted protein product. Loss-of-function variants in ATM are known to be pathogenic (PMID: 23807571, 25614872). This variant is not present in population databases (gnomAD no frequency). This variant has not been reported in the literature in individuals affected with ATM-related conditions. ClinVar contains an entry for this variant (Variation ID: 827530). For these reasons, this variant has been classified as Pathogenic.

Natera, Inc.
Classification: Likely pathogenic for Ataxia-telangiectasia. Last evaluated: 2025-12-31. Review status: criteria provided, single submitter. Criteria: Natera Variant Classification Schema (03/2026). Collection method: clinical testing. Allele origin: germline.
Comment: The c.8240dupA variant in ATM is a frameshift variant predicted to shift the reading frame beginning at codon 2748 and leads to a stop codon 9 codons downstream. This variant is expected to result in nonsense mediated decay, truncation, or a dysfunctional protein product. This variant is rare in the general population with a frequency below the threshold expected for the associated phenotype(s). Given the available evidence, this variant is classified as Likely Pathogenic.

Color Diagnostics, LLC DBA Color Health
Classification: Pathogenic for Hereditary cancer-predisposing syndrome. Last evaluated: 2025-10-29. Review status: criteria provided, single submitter. Criteria: ACMG Guidelines, 2015. Collection method: clinical testing. Allele origin: germline.
Comment: This variant inserts 1 nucleotide in exon 56 of the ATM gene, creating a frameshift and premature translation stop signal. This variant is expected to result in an absent or non-functional protein product. To our knowledge, this variant has not been reported in individuals affected with ATM-related disorders in the literature. This variant has been identified in 1/1461312 chromosomes in the general population by the Genome Aggregation Database (gnomAD). Loss of ATM function is a known mechanism of disease. Based on the available evidence, this variant is classified as Pathogenic.

Myriad Genetics, Inc.
Classification: Pathogenic for Familial cancer of breast. Last evaluated: 2024-02-02. Review status: criteria provided, single submitter. Criteria: Myriad Autosomal Dominant, Autosomal Recessive and X-Linked Classification Criteria (2023). Collection method: clinical testing. Allele origin: unknown.
Comment: This variant is considered pathogenic. This variant creates a frameshift predicted to result in premature protein truncation.

Baylor Genetics
Classification: Pathogenic for Familial cancer of breast. Last evaluated: 2022-08-15. Review status: criteria provided, single submitter. Criteria: ACMG Guidelines, 2015. Collection method: clinical testing. Allele origin: unknown.

Ambry Genetics
Classification: Pathogenic for Hereditary cancer-predisposing syndrome. Last evaluated: 2022-05-31. Review status: criteria provided, single submitter. Criteria: Ambry Variant Classification Scheme 2023. Collection method: clinical testing. Allele origin: germline.
Comment: The c.8240dupA pathogenic mutation, located in coding exon 55 of the ATM gene, results from a duplication of A at nucleotide position 8240, causing a translational frameshift with a predicted alternate stop codon (p.R2748Efs*9). This alteration is expected to result in loss of function by premature protein truncation or nonsense-mediated mRNA decay. As such, this alteration is interpreted as a disease-causing mutation.

Literature cited by the submitters: PubMed 23807571 (cited by Labcorp Genetics (formerly Invitae), Labcorp); PubMed 25614872 (cited by Labcorp Genetics (formerly Invitae), Labcorp).

NM_000051.4(ATM):c.8240dup (p.Arg2748fs)

Genes: ATM (ATM serine/threonine kinase; plus strand), C11orf65 (chromosome 11 open reading frame 65; minus strand). Cytogenetic location: 11q22.3.
Variant type: Duplication.
Coding change: c.8240dup on transcript NM_000051.4 (MANE Select); coding-DNA position 8240, one base duplicated (A; older notation c.8240dupA).
Protein change: p.Arg2748fs; shifts the reading frame from arginine 2748.
Molecular consequence: frameshift variant. On other transcripts: intron variant (2).
Genome position (GRCh38, 1-based): chr11:108,335,933, A duplicated; the last of 2 consecutive A bases (chr11:108,335,932-108,335,933); duplicating either gives the same sequence. VCF-style (leftmost placement, unchanged base first): chr11-108335931-G-GA. GRCh37 (hg19) VCF-style: chr11-108206658-G-GA.
Other names: c.8240dup, p.Arg2748fs (NM_001351834.2); c.641-26861dup (NM_001330368.2); c.695-640dup (NM_001351110.2); c.8240dupA (NM_000051.3); short protein forms R2748fs.
Identifiers: ClinVar variation 827530 (VCV000827530.18), dbSNP rs1591199097, ClinGen allele CA915948318.